The following is an entry in ClinVar:

ClinVar aggregate classification (germline): Uncertain significance (1 of 4 stars; one submission).

Conditions:
TTN-related disorder. Also called: TTN-related disorders; TTN-related condition; TTN-related disease.

gnomAD v4.1: 16 of 1,613,270 alleles (0.00099%); highest among the groups gnomAD compares: Non-Finnish European, 0.0013%; no homozygotes.

Submission:

PreventionGenetics, part of Exact Sciences
Classification: Uncertain significance for TTN-related condition. Last evaluated: 2026-09-23. Review status: criteria provided, single submitter. Criteria: ACMG Guidelines, 2015. Collection method: clinical testing. Allele origin: germline.
Comment: The TTN c.75773A>G variant is predicted to result in the amino acid substitution p.Asn25258Ser. To our knowledge, this variant has not been reported in the literature. This variant is reported in 0.0072% of alleles in individuals of European (Non-Finnish) descent in gnomAD. At this time, the clinical significance of this variant is uncertain due to the absence of conclusive functional and genetic evidence.

NM_001267550.2(TTN):c.75773A>G (p.Asn25258Ser)

Genes: TTN (titin; minus strand), TTN-AS1 (TTN antisense RNA 1; plus strand). Cytogenetic location: 2q31.2.
Variant type: single nucleotide variant.
Coding change: c.75773A>G on transcript NM_001267550.2 (MANE Select); coding-DNA position 75773, A replaced by G.
Protein change: p.Asn25258Ser; replaces asparagine 25258 with serine.
Molecular consequence: missense variant.
Genome position (GRCh38, 1-based): chr2:178,570,359, T>C on the plus strand (A>G on the coding strand, the complement: TTN is on the minus strand). VCF-style: chr2-178570359-T-C. GRCh37 (hg19) VCF-style: chr2-179435086-T-C.
Other names: c.70850A>G, p.Asn23617Ser (NM_001256850.1); c.48578A>G, p.Asn16193Ser (NM_003319.4); c.68069A>G, p.Asn22690Ser (NM_133378.4); c.48953A>G, p.Asn16318Ser (NM_133432.3); c.49154A>G, p.Asn16385Ser (NM_133437.4); short protein forms N16193S, N16318S, N25258S, N16385S, N22690S, N23617S.
Identifiers: ClinVar variation 4988160 (VCV004988160.1).